The following is an entry in ClinVar:

NM_001692.4(ATP6V1B1):c.883del (p.Ser295fs)

Gene: ATP6V1B1 (ATPase H+ transporting V1 subunit B1; plus strand). Cytogenetic location: 2p13.3.
Variant type: Deletion.
Coding change: c.883del on transcript NM_001692.4 (MANE Select); coding-DNA position 883, one base deleted (A; older notation c.883delA).
Protein change: p.Ser295fs; shifts the reading frame from serine 295.
Molecular consequence: frameshift variant.
Genome position (GRCh38, 1-based): chr2:70,962,874, A deleted. VCF-style (leftmost placement, unchanged base first): chr2-70962873-GA-G. GRCh37 (hg19) VCF-style: chr2-71190003-GA-G.
Other names: short protein forms S295fs.
Identifiers: ClinVar variation 5015558 (VCV005015558.1).

ClinVar aggregate classification (germline): Pathogenic (1 of 4 stars; one submission).

Conditions:
Renal tubular acidosis with progressive nerve deafness. Also called: RENAL TUBULAR ACIDOSIS, AUTOSOMAL RECESSIVE, WITH PROGRESSIVE NERVE DEAFNESS; RTA WITH PROGRESSIVE NERVE DEAFNESS; Distal Renal Tubular Acidosis with Progressive Sensorineural Deafness; renal tubular acidosis, distal, 2, with progressive sensorineural hearing loss. Identifiers: MedGen C0403554, MONDO:0009968, OMIM 267300.

Submission:

Myriad Genetics, Inc.
Classification: Pathogenic for Renal tubular acidosis with progressive nerve deafness. Last evaluated: 2026-02-16. Review status: criteria provided, single submitter. Criteria: Myriad Autosomal Dominant, Autosomal Recessive and X-Linked Classification Criteria (2023). Collection method: clinical testing. Allele origin: unknown.
Comment: NM_001692.3(ATP6V1B1):c.883delA(S295Vfs*68) is expected to be pathogenic in the context of distal renal tubular acidosis with deafness, ATP6V1B1-related. This variant is predicted to lead to an abnormal or absent protein product due to the creation of a premature termination codon in ATP6V1B1, a gene where loss-of-function variants are known to be pathogenic. Please note: this variant was assessed in the context of healthy population screening.